The following is an entry in ClinVar:

ClinVar aggregate classification (germline): Pathogenic (1 of 4 stars; one submission).

Conditions:
Retinoblastoma (RB1). Also called: RETINOBLASTOMA, SOMATIC. Identifiers: Orphanet 790, MedGen C0035335, MeSH D012175, MONDO:0008380, OMIM 180200, HP:0009919. Disease mechanism: loss of function. Inheritance: Both sporadic and heritable forms are tested..

Submission:

Labcorp Genetics (formerly Invitae), Labcorp
Classification: Pathogenic for Retinoblastoma. Last evaluated: 2024-09-08. Review status: criteria provided, single submitter. Criteria: Invitae Variant Classification Sherloc (09022015). Collection method: clinical testing. Allele origin: germline.
Comment: This sequence change creates a premature translational stop signal (p.Leu592Glnfs*7) in the RB1 gene. It is expected to result in an absent or disrupted protein product. Loss-of-function variants in RB1 are known to be pathogenic (PMID: 17096365). This variant is not present in population databases (gnomAD no frequency). This variant has not been reported in the literature in individuals affected with RB1-related conditions. For these reasons, this variant has been classified as Pathogenic.

Literature cited by the submitters: PubMed 17096365.

NM_000321.3(RB1):c.1775_1776del (p.Leu592fs)

Gene: RB1 (RB transcriptional corepressor 1; plus strand). Cytogenetic location: 13q14.2.
Variant type: Deletion.
Coding change: c.1775_1776del on transcript NM_000321.3 (MANE Select); coding-DNA positions 1775 to 1776, 2 bases deleted (TT; older notation c.1775_1776delTT).
Protein change: p.Leu592fs; shifts the reading frame from leucine 592.
Molecular consequence: frameshift variant.
Genome position (GRCh38, 1-based): chr13:48,453,072-48,453,073, TT deleted. VCF-style (leftmost placement, unchanged base first): chr13-48453071-CTT-C. GRCh37 (hg19) VCF-style: chr13-49027207-CTT-C.
Other names: c.1775_1776del, p.Leu592fs (NM_001407165.1); short protein forms L592fs.
Identifiers: ClinVar variation 3666356 (VCV003666356.2).